The following is an entry in ClinVar:

ClinVar aggregate classification (germline): Conflicting classifications of pathogenicity. Review status: criteria provided, conflicting classifications (1 of 4 stars). 6 submissions from 6 submitters: Uncertain significance (5); Likely benign (1). Last evaluated 2026-09-11.

Conditions:
Hereditary cancer-predisposing syndrome. Also called: Tumor predisposition; Neoplastic Syndromes, Hereditary; Hereditary Cancer Syndrome; Hereditary neoplastic syndrome. Identifiers: Orphanet 140162, MedGen C0027672, MeSH D009386, MONDO:0015356.
Melanoma, cutaneous malignant, susceptibility to, 1 (CMM1). Also called: DYSPLASTIC NEVUS SYNDROME, HEREDITARY; FAMILIAL ATYPICAL MOLE-MALIGNANT MELANOMA SYNDROME; B-K MOLE SYNDROME; MELANOMA, MALIGNANT. Identifiers: Orphanet 618, MedGen C1835047, MONDO:0007963, OMIM 155600.
Peutz-Jeghers syndrome (PJS). Also called: POLYPOSIS, HAMARTOMATOUS INTESTINAL; POLYPS-AND-SPOTS SYNDROME; Peutz-Jeghers polyposis; Periorificial lentiginosis syndrome. Identifiers: Orphanet 2869, MedGen C0031269, MeSH D010580, MONDO:0008280, OMIM 175200.

Allele frequency attached by ClinVar (database versions not stated): gnomAD exomes below 0.00001; ExAC 0.00001.
gnomAD v4.1: 1 of 1,607,988 alleles (0.000062%); highest among the groups gnomAD compares: South Asian, 0.0011%; no homozygotes.

Submissions (6):

Ambry Genetics
Classification: Likely benign for Hereditary cancer-predisposing syndrome. Last evaluated: 2026-09-11. Review status: criteria provided, single submitter. Criteria: Ambry Variant Classification Scheme 2023. Collection method: clinical testing. Allele origin: germline.

Labcorp Genetics (formerly Invitae), Labcorp
Classification: Uncertain significance for Peutz-Jeghers syndrome. Last evaluated: 2025-01-30. Review status: criteria provided, single submitter. Criteria: Invitae Variant Classification Sherloc (09022015). Collection method: clinical testing. Allele origin: germline.
Comment: This sequence change replaces glutamic acid, which is acidic and polar, with glutamine, which is neutral and polar, at codon 396 of the STK11 protein (p.Glu396Gln). This variant is present in population databases (rs763314442, gnomAD 0.003%). This variant has not been reported in the literature in individuals affected with STK11-related conditions. ClinVar contains an entry for this variant (Variation ID: 231401). Invitae Evidence Modeling of protein sequence and biophysical properties (such as structural, functional, and spatial information, amino acid conservation, physicochemical variation, residue mobility, and thermodynamic stability) indicates that this missense variant is not expected to disrupt STK11 protein function with a negative predictive value of 95%. In summary, the available evidence is currently insufficient to determine the role of this variant in disease. Therefore, it has been classified as a Variant of Uncertain Significance.

Quest Diagnostics Nichols Institute San Juan Capistrano
Classification: Uncertain significance. Last evaluated: 2024-12-03. Review status: criteria provided, single submitter. Criteria: Quest Diagnostics criteria. Collection method: clinical testing. Allele origin: unknown.
Comment: The STK11 c.1186G>C (p.Glu396Gln) variant has not been reported in individuals with STK11-related conditions in the published literature. The frequency of this variant in the general population (Genome Aggregation Database) is uninformative in the assessment of its pathogenicity. Analysis of this variant using bioinformatics tools for the prediction of the effect of amino acid changes on protein structure and function yielded predictions that this variant is benign. Based on the available information, we are unable to determine the clinical significance of this variant.

Color Diagnostics, LLC DBA Color Health
Classification: Uncertain significance for Hereditary cancer-predisposing syndrome. Last evaluated: 2024-03-06. Review status: criteria provided, single submitter. Criteria: ACMG Guidelines, 2015. Collection method: clinical testing. Allele origin: germline.
Comment: This missense variant replaces glutamic acid with glutamine at codon 396 of the STK11 protein. Computational prediction tool suggests that this variant may not impact protein structure and function (internally defined REVEL score threshold <=0.5, PMID: 27666373). To our knowledge, functional studies have not been performed for this variant. This variant has not been reported in individuals affected with hereditary cancer in the literature. This variant has been identified in 1/234560 chromosomes in the general population by the Genome Aggregation Database (gnomAD). The available evidence is insufficient to determine the role of this variant in disease conclusively. Therefore, this variant is classified as a Variant of Uncertain Significance.

Baylor Genetics
Classification: Uncertain significance for Melanoma, cutaneous malignant, susceptibility to, 1. Last evaluated: 2023-12-29. Review status: criteria provided, single submitter. Criteria: ACMG Guidelines, 2015. Collection method: clinical testing. Allele origin: unknown.

Genome-Nilou Lab
Classification: Uncertain significance for Peutz-Jeghers syndrome. Last evaluated: 2021-07-15. Review status: criteria provided, single submitter. Criteria: ACMG Guidelines, 2015. Collection method: clinical testing. Allele origin: germline. Affected: no.

NM_000455.5(STK11):c.1186G>C (p.Glu396Gln)

Gene: STK11 (serine/threonine kinase 11; plus strand). Cytogenetic location: 19p13.3.
Variant type: single nucleotide variant.
Coding change: c.1186G>C on transcript NM_000455.5 (MANE Select); coding-DNA position 1186, G replaced by C.
Protein change: p.Glu396Gln; replaces glutamic acid 396 with glutamine.
Molecular consequence: missense variant.
Genome position (GRCh38, 1-based): chr19:1,226,531, G>C. VCF-style: chr19-1226531-G-C. GRCh37 (hg19) VCF-style: chr19-1226530-G-C.
Other names: short protein forms E396Q.
Identifiers: ClinVar variation 231401 (VCV000231401.22), dbSNP rs763314442, ClinGen allele CA045807.